The following is an entry in ClinVar:

NM_017636.4(TRPM4):c.1566G>A (p.Gly522=)

Gene: TRPM4 (transient receptor potential cation channel subfamily M member 4; plus strand). Cytogenetic location: 19q13.33.
Variant type: single nucleotide variant.
Coding change: c.1566G>A on transcript NM_017636.4 (MANE Select); coding-DNA position 1566, G replaced by A.
Protein change: p.Gly522=; no amino-acid change (glycine 522 retained).
Molecular consequence: synonymous variant. On other transcripts: intron variant (1).
Genome position (GRCh38, 1-based): chr19:49,182,880, G>A. VCF-style: chr19-49182880-G-A. GRCh37 (hg19) VCF-style: chr19-49686137-G-A.
Other names: c.1566G>A (NM_017636.3); c.1566G>A, p.Gly522= (NM_001195227.2); c.1221G>A, p.Gly407= (NM_001321281.2); c.1044G>A, p.Gly348= (NM_001321283.2); c.504G>A, p.Gly168= (NM_001321285.2); c.-1+13G>A (NM_001321282.2).
Identifiers: ClinVar variation 1655531 (VCV001655531.10), dbSNP rs1968042908, ClinGen allele CA508282653.
Genomic context (GRCh38, chr19:49,182,880, plus strand): 5'-CGTGGGGCATGTGCTGAGGATGCTGCTGGGGAAGATGTGCGCGCCGAGGTACCCCTCCGG[G>A]GGCGCCTGGGACCCTCACCCAGGCCAGGGCTTCGGGGAGAGCGTAAGGACCGGGCAAAGC-3'
Protein context (NP_060106.2, residues 512-532): GKMCAPRYPS[Gly522=]GAWDPHPGQG

ClinVar aggregate classification (germline): Likely benign. Review status: criteria provided, single submitter (1 of 4 stars). 2 submissions from 2 submitters: Likely benign (1). 1 of the submissions does not count toward it. Last evaluated 2021-08-22.

Conditions:
TRPM4-related disorder. Also called: TRPM4-related condition; TRPM4-related disorders. Identifiers: MedGen CN239424.
Progressive familial heart block type IB (PFHB1B). Identifiers: Orphanet 871, MedGen C1970298, MONDO:0011474, OMIM 604559.

Allele frequency attached by ClinVar (database versions not stated): gnomAD exomes below 0.00001.
gnomAD v4.1: 1 of 1,604,030 alleles (0.000062%); highest among the groups gnomAD compares: Non-Finnish European, 0.000085%; no homozygotes.

Submissions (2):

Labcorp Genetics (formerly Invitae), Labcorp
Classification: Likely benign for Progressive familial heart block type IB. Last evaluated: 2021-08-22. Review status: criteria provided, single submitter. Criteria: Invitae Variant Classification Sherloc (09022015). Collection method: clinical testing. Allele origin: germline.

PreventionGenetics, part of Exact Sciences
Classification: Likely benign for TRPM4-related condition. Last evaluated: 2021-01-28. Review status: no assertion criteria provided. Collection method: clinical testing. Allele origin: germline. Not counted in ClinVar's aggregate classification.
Comment: This variant is classified as likely benign based on ACMG/AMP sequence variant interpretation guidelines (Richards et al. 2015 PMID: 25741868, with internal and published modifications).